The following is an entry in ClinVar:

ClinVar aggregate classification (germline): Uncertain significance (1 of 4 stars; one submission).

Conditions:
Cardiovascular phenotype. Identifiers: MedGen CN230736.
Hereditary cancer-predisposing syndrome. Also called: Neoplastic Syndromes, Hereditary; Tumor predisposition; Hereditary neoplastic syndrome; Hereditary Cancer Syndrome. Identifiers: Orphanet 140162, MedGen C0027672, MeSH D009386, MONDO:0015356.

gnomAD v4.1: 1 of 1,613,904 alleles (0.000062%); highest among the groups gnomAD compares: African/African-American, 0.0013%; no homozygotes.

Submission:

Ambry Genetics
Classification: Uncertain significance for Cardiovascular phenotype; Hereditary cancer-predisposing syndrome. Last evaluated: 2025-05-19. Review status: criteria provided, single submitter. Criteria: Ambry Variant Classification Scheme 2023. Collection method: clinical testing. Allele origin: germline.
Comment: The p.A1462V variant (also known as c.4385C>T), located in coding exon 33 of the NF1 gene, results from a C to T substitution at nucleotide position 4385. The alanine at codon 1462 is replaced by valine, an amino acid with similar properties. This amino acid position is conserved. In addition, this alteration is predicted to be deleterious by in silico analysis. Based on the available evidence, the clinical significance of this variant remains unclear.

NM_001042492.3(NF1):c.4448C>T (p.Ala1483Val)

Gene: NF1 (neurofibromin 1; plus strand). Cytogenetic location: 17q11.2.
Variant type: single nucleotide variant.
Coding change: c.4448C>T on transcript NM_001042492.3 (MANE Select); coding-DNA position 4448, C replaced by T.
Protein change: p.Ala1483Val; replaces alanine 1483 with valine.
Molecular consequence: missense variant.
Genome position (GRCh38, 1-based): chr17:31,260,386, C>T. VCF-style: chr17-31260386-C-T. GRCh37 (hg19) VCF-style: chr17-29587404-C-T.
Other names: c.4385C>T, p.Ala1462Val (NM_000267.4); short protein forms A1462V, A1483V.
Identifiers: ClinVar variation 4031768 (VCV004031768.1).